The following is an entry in ClinVar:

NM_014629.4(ARHGEF10):c.2342C>G (p.Ala781Gly)

Gene: ARHGEF10 (Rho guanine nucleotide exchange factor 10; plus strand). Cytogenetic location: 8p23.3.
Variant type: single nucleotide variant.
Coding change: c.2342C>G on transcript NM_014629.4 (MANE Select); coding-DNA position 2342, C replaced by G.
Protein change: p.Ala781Gly; replaces alanine 781 with glycine.
Molecular consequence: missense variant.
Genome position (GRCh38, 1-based): chr8:1,923,550, C>G. VCF-style: chr8-1923550-C-G. GRCh37 (hg19) VCF-style: chr8-1871716-C-G.
Other names: c.2228C>G, p.Ala743Gly (NM_001308152.2); c.2342C>G, p.Ala781Gly (NM_001308153.3); short protein forms A781G, A743G, A805G.
Identifiers: ClinVar variation 2787502 (VCV002787502.3), dbSNP rs143459815, ClinGen allele CA369965689.

ClinVar aggregate classification (germline): Uncertain significance (1 of 4 stars; one submission).

Submission:

Labcorp Genetics (formerly Invitae), Labcorp
Classification: Uncertain significance. Last evaluated: 2023-03-18. Review status: criteria provided, single submitter. Criteria: Invitae Variant Classification Sherloc (09022015). Collection method: clinical testing. Allele origin: germline.
Comment: In summary, the available evidence is currently insufficient to determine the role of this variant in disease. Therefore, it has been classified as a Variant of Uncertain Significance. Algorithms developed to predict the effect of sequence changes on RNA splicing suggest that this variant may disrupt the consensus splice site. Advanced modeling of protein sequence and biophysical properties (such as structural, functional, and spatial information, amino acid conservation, physicochemical variation, residue mobility, and thermodynamic stability) performed at Invitae indicates that this missense variant is expected to disrupt ARHGEF10 protein function. This variant has not been reported in the literature in individuals affected with ARHGEF10-related conditions. This variant is not present in population databases (gnomAD no frequency). This sequence change replaces alanine, which is neutral and non-polar, with glycine, which is neutral and non-polar, at codon 781 of the ARHGEF10 protein (p.Ala781Gly).